The following is an entry in ClinVar:

NM_001287.6(CLCN7):c.247A>T (p.Ile83Phe)

Gene: CLCN7 (chloride voltage-gated channel 7; minus strand). Cytogenetic location: 16p13.3.
Variant type: single nucleotide variant.
Coding change: c.247A>T on transcript NM_001287.6 (MANE Select); coding-DNA position 247, A replaced by T.
Protein change: p.Ile83Phe; replaces isoleucine 83 with phenylalanine.
Molecular consequence: missense variant.
Genome position (GRCh38, 1-based): chr16:1,461,641, T>A on the plus strand (A>T on the coding strand, the complement: CLCN7 is on the minus strand). VCF-style: chr16-1461641-T-A. GRCh37 (hg19) VCF-style: chr16-1511642-T-A.
Other names: c.175A>T, p.Ile59Phe (NM_001114331.3); short protein forms I59F, I83F.
Identifiers: ClinVar variation 3643147 (VCV003643147.2).

ClinVar aggregate classification (germline): Uncertain significance (1 of 4 stars; one submission).

Submission:

Labcorp Genetics (formerly Invitae), Labcorp
Classification: Uncertain significance. Last evaluated: 2024-02-24. Review status: criteria provided, single submitter. Criteria: Invitae Variant Classification Sherloc (09022015). Collection method: clinical testing. Allele origin: germline.
Comment: This sequence change replaces isoleucine, which is neutral and non-polar, with phenylalanine, which is neutral and non-polar, at codon 83 of the CLCN7 protein (p.Ile83Phe). This variant is not present in population databases (gnomAD no frequency). This variant has not been reported in the literature in individuals affected with CLCN7-related conditions. An algorithm developed to predict the effect of missense changes on protein structure and function (PolyPhen-2) suggests that this variant is likely to be disruptive. In summary, the available evidence is currently insufficient to determine the role of this variant in disease. Therefore, it has been classified as a Variant of Uncertain Significance.